The following is an entry in ClinVar:

NM_006201.5(CDK16):c.357A>G (p.Ser119=)

Gene: CDK16 (cyclin dependent kinase 16; plus strand). Cytogenetic location: Xp11.3.
Variant type: single nucleotide variant.
Coding change: c.357A>G on transcript NM_006201.5 (MANE Select); coding-DNA position 357, A replaced by G.
Protein change: p.Ser119=; no amino-acid change (serine 119 retained).
Molecular consequence: synonymous variant.
Genome position (GRCh38, 1-based): chrX:47,224,638, A>G. VCF-style: chrX-47224638-A-G. GRCh37 (hg19) VCF-style: chrX-47084037-A-G.
Other names: c.579A>G, p.Ser193= (NM_001170460.2); c.375A>G, p.Ser125= (NM_033018.4).
Identifiers: ClinVar variation 3059606 (VCV003059606.2), dbSNP rs5952422, ClinGen allele CA10396416.

ClinVar aggregate classification (germline): Benign (0 of 4 stars; one submission).

Conditions:
CDK16-related disorder. Also called: CDK16-related condition.

Allele frequency attached by ClinVar (database versions not stated): gnomAD exomes 0.00724; ExAC 0.02649; gnomAD 0.07252; TOPMed 0.08365; 1000 Genomes Project 0.08477; 1000 Genomes Project 30x 0.08637; ESP Exome Variant Server 0.09230.

Submission:

PreventionGenetics, part of Exact Sciences
Classification: Benign for CDK16-related condition. Last evaluated: 2019-06-11. Review status: no assertion criteria provided. Collection method: clinical testing. Allele origin: germline.
Comment: This variant is classified as benign based on ACMG/AMP sequence variant interpretation guidelines (Richards et al. 2015 PMID: 25741868, with internal and published modifications).